The following is an entry in ClinVar:

NM_004171.4(SLC1A2):c.1091+6G>C

Gene: SLC1A2 (solute carrier family 1 member 2; minus strand). Cytogenetic location: 11p13.
Variant type: single nucleotide variant.
Coding change: c.1091+6G>C on transcript NM_004171.4 (MANE Select); 6 bases into the intron after coding-DNA position 1091, G replaced by C.
Molecular consequence: intron variant.
Genome position (GRCh38, 1-based): chr11:35,292,281, C>G on the plus strand (G>C on the coding strand, the complement: SLC1A2 is on the minus strand). VCF-style: chr11-35292281-C-G. GRCh37 (hg19) VCF-style: chr11-35313828-C-G.
Other names: c.1079+6G>C (NM_001439342.1); c.1064+6G>C (NM_001195728.3, NM_001439341.1, NM_001252652.2); c.858-5330G>C (NM_001439343.1).
Identifiers: ClinVar variation 4808629 (VCV004808629.1).

ClinVar aggregate classification (germline): Uncertain significance (1 of 4 stars; one submission).

gnomAD v4.1: 1 of 1,600,510 alleles (0.000062%); highest among the groups gnomAD compares: Non-Finnish European, 0.000086%; no homozygotes.

Submission:

Labcorp Genetics (formerly Invitae), Labcorp
Classification: Uncertain significance. Last evaluated: 2025-12-25. Review status: criteria provided, single submitter. Criteria: Invitae Variant Classification Sherloc (09022015). Collection method: clinical testing. Allele origin: germline.
Comment: This sequence change falls in intron 7 of the SLC1A2 gene. It does not directly change the encoded amino acid sequence of the SLC1A2 protein. It affects a nucleotide within the consensus splice site. This variant is not present in population databases (gnomAD no frequency). This variant has not been reported in the literature in individuals affected with SLC1A2-related conditions. Variants that disrupt the consensus splice site are a relatively common cause of aberrant splicing (PMID: 17576681, 9536098). Algorithms developed to predict the effect of sequence changes on RNA splicing suggest that this variant is not likely to affect RNA splicing. In summary, the available evidence is currently insufficient to determine the role of this variant in disease. Therefore, it has been classified as a Variant of Uncertain Significance.

Literature cited by the submitters: PubMed 17576681; PubMed 9536098.